The following is an entry in ClinVar:

ClinVar aggregate classification (germline): Benign/Likely benign. Review status: criteria provided, multiple submitters, no conflicts (2 of 4 stars). 10 submissions from 10 submitters: Benign (5); Likely benign (2). 3 of the submissions do not count toward it. Last evaluated 2025-03-27.

Conditions:
Polycystic kidney disease, adult type (PKD1). Also called: POLYCYSTIC KIDNEY DISEASE, ADULT, TYPE I; Polycystic Kidney Disease 1, Autosomal Dominant; Polycystic kidney disease 1; Polycystic kidney disease 1, severe; POLYCYSTIC KIDNEY DISEASE 1 WITH OR WITHOUT POLYCYSTIC LIVER DISEASE; Polycystic Kidney, Autosomal Dominant. Identifiers: MedGen C3149841, MONDO:0008263, OMIM 173900.
Polycystic kidney disease. Also called: Kidney, Polycystic; Polycystic kidney dysplasia. Identifiers: MedGen C0022680, MeSH D007690, MONDO:0020642, HP:0000113.

Allele frequency attached by ClinVar (database versions not stated): gnomAD exomes 0.00275 and 0.00775; ExAC 0.00965; ESP Exome Variant Server 0.03076; gnomAD 0.03224 and 0.03447; TOPMed 0.03360; 1000 Genomes Project 0.03794; 1000 Genomes Project 30x 0.04013.

Submissions (10):

Women's Health and Genetics/Laboratory Corporation of America, LabCorp
Classification: Benign. Last evaluated: 2025-03-27. Review status: criteria provided, single submitter. Criteria: LabCorp Variant Classification Summary - May 2015. Collection method: clinical testing. Allele origin: germline.

Mayo Clinic Laboratories, Mayo Clinic
Classification: Benign. Last evaluated: 2022-11-18. Review status: criteria provided, single submitter. Criteria: ACMG Guidelines, 2015. Collection method: clinical testing. Allele origin: germline. Observed: 35 variant alleles.

GeneDx
Classification: Likely benign. Last evaluated: 2021-05-11. Review status: criteria provided, single submitter. Criteria: GeneDx Variant Classification Process June 2021. Collection method: clinical testing. Allele origin: germline. Affected: yes.
Comment: This variant is associated with the following publications: (PMID: 9285784, 17574468, 22008521, 22383692)

ARUP Laboratories, Molecular Genetics and Genomics, ARUP Laboratories
Classification: Benign for Polycystic kidney disease, adult type. Last evaluated: 2020-06-02. Review status: criteria provided, single submitter. Criteria: ARUP Molecular Germline Variant Investigation Process. Collection method: clinical testing. Allele origin: germline.

Athena Diagnostics
Classification: Benign. Last evaluated: 2017-10-09. Review status: criteria provided, single submitter. Criteria: Athena Diagnostics Criteria. Collection method: clinical testing. Allele origin: germline.

Breakthrough Genomics
Classification: Likely benign. Review status: criteria provided, single submitter. Criteria: ACMG Guidelines, 2015. Collection method: not provided. Allele origin: germline. Inheritance: Autosomal dominant inheritance. Affected: yes.

PreventionGenetics, part of Exact Sciences
Classification: Benign. Review status: criteria provided, single submitter. Criteria: ACMG Guidelines, 2015. Collection method: clinical testing. Allele origin: germline.

Department of Pathology and Laboratory Medicine, Sinai Health System
Classification: Benign for Polycystic Kidney disease. Review status: no assertion criteria provided. Collection method: clinical testing. Allele origin: unknown. Affected: yes. Study: The Canadian Open Genetics Repository (COGR). Not counted in ClinVar's aggregate classification.
Comment: The PKD1 p.Ala2971Ala variant was identified in 5 of 698 proband chromosomes (frequency: 0.007) from individuals or families with ADPKD, and was not identified in 442 control chromosomes from healthy individuals (Bataille_2011, Garcia-Gonzalez_2007, Rossetti_2012). The variant was also identified in dbSNP (ID: rs9926309) â€šÃ„ÃºWith NA alleleâ€šÃ„Ã¹, in 1000 Genomes Project in 190 of 5013 chromosomes (frequency: 0.0379), and in the NHLBI GO Exome Sequencing Project (ESP) in 5 of 8580 European American and in 394 of 4390 African American alleles. In addition, the variant is identified in the Exome Aggregation Consortium database (March 14, 2016) in 1155 of 119736 chromosomes (freq. 0.01) in the following populations: African in 1053 (57 homozygous) of 10158 chromosomes (freq. 0.1037), other in 5 of 886 chromosomes (freq. 0.006), Latino in 65 of 11538 chromosomes (freq. 0.006), European (Non-Finnish) in 29 of 65418 chromosomes (freq. 0.0004), South Asian in 2 of 16504 chromosomes (freq. 0.0001), East Asian in 1 of 6610 chromosomes (freq. 0.0001) but was not seen in a Finish population, increasing the likelihood this could be a low frequency benign variant. The variant is also listed in GeneInsight COGR (classified as benign), and in ADPKD Mutation Database (6x as likely neutral). The p.Ala2971Ala variant is not expected to have clinical significance because it does not result in a change of amino acid and is not located in a known consensus splice site. In addition, in silico or computational prediction software programs (SpliceSiteFinder, MaxEntScan, NNSPLICE, GeneSplicer, HumanSpliceFinder) do not predict a difference in splicing. In summary, based on the above information, this variant meets our laboratory criteria to be classified as benign.

Joint Genome Diagnostic Labs from Nijmegen and Maastricht, Radboudumc and MUMC+
Classification: Benign. Review status: no assertion criteria provided. Collection method: clinical testing. Allele origin: germline. Affected: yes. Study: VKGL Data-share Consensus. Not counted in ClinVar's aggregate classification.

Laboratory of Diagnostic Genome Analysis, Leiden University Medical Center (LUMC)
Classification: Benign. Review status: no assertion criteria provided. Collection method: clinical testing. Allele origin: germline. Affected: yes. Study: VKGL Data-share Consensus. Not counted in ClinVar's aggregate classification.

Literature cited by the submitters: PubMed 17574468 (cited by Athena Diagnostics); PubMed 9285784 (cited by Athena Diagnostics).

NM_001009944.3(PKD1):c.8913T>C (p.Ala2971=)

Gene: PKD1 (polycystin 1, transient receptor potential channel interacting; minus strand). Cytogenetic location: 16p13.3.
Variant type: single nucleotide variant.
Coding change: c.8913T>C on transcript NM_001009944.3 (MANE Select); coding-DNA position 8913, T replaced by C.
Protein change: p.Ala2971=; no amino-acid change (alanine 2971 retained).
Molecular consequence: synonymous variant.
Genome position (GRCh38, 1-based): chr16:2,102,849, A>G on the plus strand (T>C on the coding strand, the complement: PKD1 is on the minus strand). VCF-style: chr16-2102849-A-G. GRCh37 (hg19) VCF-style: chr16-2152850-A-G.
Other names: p.Ala2971=; c.8913T>C, p.Ala2971= (NM_000296.4).
Identifiers: ClinVar variation 257031 (VCV000257031.22), dbSNP rs9926309, ClinGen allele CA7830308.
Genomic context (GRCh38, chr16:2,102,849, plus strand): 5'-TGCCAGGCTGGCCCGCAGAGCTCACCCCGGGGAAATGAAGAAGGTGTAGGGCCGGTGGTC[A>G]GCACCCTGGAGTGACTCTGGGCGGATCCTCCTGCTAGCCGAGCAGTTGTGCTCATTGGGC-3'
Protein context (NP_001009944.3, residues 2961-2981): RRIRPESLQG[Ala2971=]DHRPYTFFIS